The following is an entry in ClinVar:

NM_001614.5(ACTG1):c.1114C>A (p.Arg372Ser)

Gene: ACTG1 (actin gamma 1; minus strand). Cytogenetic location: 17q25.3.
Variant type: single nucleotide variant.
Coding change: c.1114C>A on transcript NM_001614.5 (MANE Select); coding-DNA position 1114, C replaced by A.
Protein change: p.Arg372Ser; replaces arginine 372 with serine.
Molecular consequence: missense variant. On other transcripts: non-coding transcript variant (1).
Genome position (GRCh38, 1-based): chr17:81,510,704, G>T on the plus strand (C>A on the coding strand, the complement: ACTG1 is on the minus strand). VCF-style: chr17-81510704-G-T. GRCh37 (hg19) VCF-style: chr17-79477730-G-T.
Other names: c.1114C>A, p.Arg372Ser (NM_001199954.3); short protein forms R372S.
Identifiers: ClinVar variation 4855378 (VCV004855378.1).
Genomic context (GRCh38, chr17:81,510,704, plus strand): 5'-TCTCAATTAACCCATGCAGCAAATGCTACGCATCTGCTGAGTCCGTTTAGAAGCATTTGC[G>T]GTGGACGATGGAGGGGCCCGACTCGTCGTACTCCTGCTTGCTAATCCACATCTGCTGGAA-3'
Protein context (NP_001605.1, residues 362-375): YDESGPSIVH[Arg372Ser]KCF

ClinVar aggregate classification (germline): Uncertain significance (1 of 4 stars; one submission).

Conditions:
Baraitser-winter syndrome 2. Identifiers: Orphanet 2995, MedGen C3281235, MONDO:0013812, OMIM 614583.

Submission:

3billion
Classification: Uncertain significance for Baraitser-winter syndrome 2. Last evaluated: 2025-07-10. Review status: criteria provided, single submitter. Criteria: ACMG Guidelines, 2015. Collection method: clinical testing. Allele origin: germline. Affected: yes.
Comment: The variant is not observed in the gnomAD v4.1.0 dataset. Predicted Consequence/Location: Missense variant. Missense changes are a common disease-causing mechanism. In silico tool predictions suggest damaging effect of the variant on gene or gene product [REVEL: 0.87 (>=0.6, sensitivity 0.68 and specificity 0.92)]. Therefore, this variant is classified as VUS according to the recommendation of ACMG/AMP guideline.